The following is an entry in ClinVar:

ClinVar aggregate classification (germline): Uncertain significance (1 of 4 stars; one submission).

Conditions:
Arginine:glycine amidinotransferase deficiency (CCDS3). Also called: Cerebral creatine deficiency syndrome 3; AGAT deficiency; L-Arginine:Glycine Amidinotransferase Deficiency; Creatine deficiency syndrome due to AGAT deficiency; GATM deficiency; L-Arginine:Glycine Amidinotransferase (AGAT) Deficiency. Identifiers: Orphanet 35704, MedGen C2675179, MONDO:0012996, OMIM 612718.

Submission:

Labcorp Genetics (formerly Invitae), Labcorp
Classification: Uncertain significance for Arginine:glycine amidinotransferase deficiency. Last evaluated: 2023-12-09. Review status: criteria provided, single submitter. Criteria: Invitae Variant Classification Sherloc (09022015). Collection method: clinical testing. Allele origin: germline.
Comment: This sequence change replaces serine, which is neutral and polar, with threonine, which is neutral and polar, at codon 11 of the GATM protein (p.Ser11Thr). This variant is not present in population databases (gnomAD no frequency). This variant has not been reported in the literature in individuals affected with GATM-related conditions. An algorithm developed to predict the effect of missense changes on protein structure and function (PolyPhen-2) suggests that this variant is likely to be tolerated. In summary, the available evidence is currently insufficient to determine the role of this variant in disease. Therefore, it has been classified as a Variant of Uncertain Significance.

NM_001482.3(GATM):c.32G>C (p.Ser11Thr)

Genes: GATM (glycine amidinotransferase; minus strand), LOC130056991 (ATAC-STARR-seq lymphoblastoid silent region 6406; plus strand). Cytogenetic location: 15q21.1.
Variant type: single nucleotide variant.
Coding change: c.32G>C on transcript NM_001482.3 (MANE Select); coding-DNA position 32, G replaced by C.
Protein change: p.Ser11Thr; replaces serine 11 with threonine.
Molecular consequence: missense variant. On other transcripts: intron variant (1).
Genome position (GRCh38, 1-based): chr15:45,378,422, C>G on the plus strand (G>C on the coding strand, the complement: GATM is on the minus strand). VCF-style: chr15-45378422-C-G. GRCh37 (hg19) VCF-style: chr15-45670620-C-G.
Other names: c.-318-1603G>C (NM_001321015.2); short protein forms S11T.
Identifiers: ClinVar variation 2701743 (VCV002701743.3), dbSNP rs2542010023, ClinGen allele CA392266623.